The following is an entry in ClinVar:

NM_000350.3(ABCA4):c.2564G>A (p.Trp855Ter)

Gene: ABCA4 (ATP binding cassette subfamily A member 4; minus strand). Cytogenetic location: 1p22.1.
Variant type: single nucleotide variant.
Coding change: c.2564G>A on transcript NM_000350.3 (MANE Select); coding-DNA position 2564, G replaced by A.
Protein change: p.Trp855Ter; replaces tryptophan 855 with a stop codon.
Molecular consequence: nonsense.
Genome position (GRCh38, 1-based): chr1:94,055,134, C>T on the plus strand (G>A on the coding strand, the complement: ABCA4 is on the minus strand). VCF-style: chr1-94055134-C-T. GRCh37 (hg19) VCF-style: chr1-94520690-C-T.
Other names: c.2342G>A, p.Trp781Ter (NM_001425324.1); short protein forms W855*, W781*.
Identifiers: ClinVar variation 99144 (VCV000099144.20), dbSNP rs61752406, ClinGen allele CA227011.

ClinVar aggregate classification (germline): Pathogenic. Review status: criteria provided, multiple submitters, no conflicts (2 of 4 stars). 8 submissions from 7 submitters: Pathogenic (7). 1 of the submissions does not count toward it. Last evaluated 2026-01-21.

Conditions:
ABCA4-related disorder. Also called: ABCA4-related condition; ABCA4-related disorders. Identifiers: MedGen CN239167.
Retinal dystrophy. Also called: Inherited retinal dystrophy. Identifiers: Orphanet 71862, MedGen C0854723, MeSH D058499, MONDO:0019118, HP:0000556.
Severe early-childhood-onset retinal dystrophy (STGD1). Also called: MACULAR DYSTROPHY WITH FLECKS, TYPE 1; STGD; Stargardt disease 1; Stargardt macular dystrophy; Juvenile onset macular degeneration. Identifiers: Orphanet 364055, Orphanet 827, MedGen C1855465, MeSH D000080362, MONDO:0009549, OMIM 248200.
Cone-rod dystrophy 3 (CORD3). Identifiers: Orphanet 1872, MedGen C1858806, MONDO:0011395, OMIM 604116.

Allele frequency attached by ClinVar (database versions not stated): gnomAD 0.00001; TOPMed 0.00002; ExAC 0.00003; gnomAD exomes 0.00001 and 0.00002.
gnomAD v4.1: 20 of 1,613,922 alleles (0.0012%); highest among the groups gnomAD compares: Non-Finnish European, 0.0014%; no homozygotes.

Submissions (8):

Institute of Medical Genetics and Applied Genomics, University Hospital Tübingen
Classification: Pathogenic for Cone-rod dystrophy 3. Last evaluated: 2026-01-21. Review status: criteria provided, single submitter. Criteria: ACMG Guidelines, 2015. Collection method: clinical testing. Allele origin: germline. Inheritance: Autosomal recessive inheritance. Affected: yes.

Labcorp Genetics (formerly Invitae), Labcorp
Classification: Pathogenic. Last evaluated: 2025-11-09. Review status: criteria provided, single submitter. Criteria: Invitae Variant Classification Sherloc (09022015). Collection method: clinical testing. Allele origin: germline.
Comment: This sequence change creates a premature translational stop signal (p.Trp855*) in the ABCA4 gene. It is expected to result in an absent or disrupted protein product. Loss-of-function variants in ABCA4 are known to be pathogenic (PMID: 10958761, 24938718, 25312043, 26780318). This variant is present in population databases (rs61752406, gnomAD 0.004%). This premature translational stop signal has been observed in individuals with ABCA4-related disease (PMID: 12192456, 17982420, 25312043, 28118664). ClinVar contains an entry for this variant (Variation ID: 99144). For these reasons, this variant has been classified as Pathogenic.

GeneDx
Classification: Pathogenic. Last evaluated: 2025-01-15. Review status: criteria provided, single submitter. Criteria: GeneDx Variant Classification Process June 2021. Collection method: clinical testing. Allele origin: germline. Affected: yes.
Comment: Nonsense variant predicted to result in protein truncation or nonsense mediated decay in a gene for which loss of function is a known mechanism of disease; Not observed at significant frequency in large population cohorts (gnomAD); This variant is associated with the following publications: (PMID: 35120629, 31964843, 32307445, 35076026, 10958763, 31429209, 12192456, 22247458, 27939946, 29701254, 28118664, 23891399, 17982420, 26593885, 26551331, 29925512, 29386879, 32467599, 38219857)

Blueprint Genetics
Classification: Pathogenic for ABCA4-related disorders. Last evaluated: 2024-09-23. Review status: criteria provided, single submitter. Criteria: ACMG Guidelines, 2015. Collection method: clinical testing. Allele origin: germline. Affected: yes. Observed: 5 variant alleles.

Institute of Human Genetics, Univ. Regensburg, Univ. Regensburg
Classification: Pathogenic for Retinal dystrophy. Last evaluated: 2021-01-01. Review status: criteria provided, single submitter. Criteria: ACMG Guidelines, 2015. Collection method: clinical testing. Allele origin: germline. Affected: yes.

Eurofins Ntd Llc (ga)
Classification: Pathogenic. Last evaluated: 2017-03-31. Review status: criteria provided, single submitter. Criteria: EGL Classification Definitions 2015. Collection method: clinical testing. Allele origin: germline. Observed: 3 variant alleles, 3 heterozygotes.

Institute of Human Genetics, Univ. Regensburg, Univ. Regensburg
Classification: Pathogenic for Severe early-childhood-onset retinal dystrophy. Last evaluated: 2016-01-01. Review status: criteria provided, single submitter. Criteria: Schulz et al. (Invest Ophthalmol Vis Sci. 2017). Collection method: clinical testing. Allele origin: germline. Affected: yes. Observed: 1 heterozygote.

Retina International
No classification provided. Review status: no classification provided. Collection method: not provided. Allele origin: not provided. Not counted in ClinVar's aggregate classification.

Literature cited by the submitters: PubMed 10958761 (cited by Labcorp Genetics (formerly Invitae), Labcorp); PubMed 24938718 (cited by Labcorp Genetics (formerly Invitae), Labcorp); PubMed 25312043 (cited by Labcorp Genetics (formerly Invitae), Labcorp); PubMed 26780318 (cited by Labcorp Genetics (formerly Invitae), Labcorp); PubMed 12192456 (cited by Labcorp Genetics (formerly Invitae), Labcorp and Institute of Human Genetics, Univ. Regensburg, Univ. Regensburg); PubMed 17982420 (cited by Labcorp Genetics (formerly Invitae), Labcorp and Eurofins Ntd Llc (ga)); PubMed 28118664 (cited by Labcorp Genetics (formerly Invitae), Labcorp); PubMed 25525159 (cited by Institute of Human Genetics, Univ. Regensburg, Univ. Regensburg); PubMed 29925512 (cited by Institute of Human Genetics, Univ. Regensburg, Univ. Regensburg); PubMed 32467599 (cited by Institute of Human Genetics, Univ. Regensburg, Univ. Regensburg); PubMed 31964843 (cited by Institute of Human Genetics, Univ. Regensburg, Univ. Regensburg); PubMed 31429209 (cited by Institute of Human Genetics, Univ. Regensburg, Univ. Regensburg); PubMed 32307445 (cited by Institute of Human Genetics, Univ. Regensburg, Univ. Regensburg); PubMed 35076026 (cited by Institute of Human Genetics, Univ. Regensburg, Univ. Regensburg); PubMed 10958763 (cited by Eurofins Ntd Llc (ga)); PubMed 26551331 (cited by Eurofins Ntd Llc (ga)); PubMed 26593885 (cited by Eurofins Ntd Llc (ga)).